The following is an entry in ClinVar:

NM_000049.4(ASPA):c.264T>G (p.Tyr88Ter)

Genes: ASPA (aspartoacylase; plus strand), SPATA22 (spermatogenesis associated 22; minus strand). Cytogenetic location: 17p13.2.
Variant type: single nucleotide variant.
Coding change: c.264T>G on transcript NM_000049.4 (MANE Select); coding-DNA position 264, T replaced by G.
Protein change: p.Tyr88Ter; replaces tyrosine 88 with a stop codon.
Molecular consequence: nonsense. On other transcripts: intron variant (2).
Genome position (GRCh38, 1-based): chr17:3,481,630, T>G. VCF-style: chr17-3481630-T-G. GRCh37 (hg19) VCF-style: chr17-3384924-T-G.
Other names: c.264T>G, p.Tyr88Ter (NM_001128085.1); c.-73-12232A>C (NM_001321336.2, NM_001321337.2); short protein forms Y88*.
Identifiers: ClinVar variation 4062105 (VCV004062105.1).

ClinVar aggregate classification (germline): Likely pathogenic (1 of 4 stars; one submission).

Conditions:
Spongy degeneration of central nervous system. Also called: ACY2 DEFICIENCY; AMINOACYLASE 2 DEFICIENCY; ASP DEFICIENCY; ASPA DEFICIENCY; ASPARTOACYLASE DEFICIENCY; CANAVAN-VAN BOGAERT-BERTRAND DISEASE. Identifiers: Orphanet 141, MedGen C0206307, MONDO:0010079, OMIM 271900.

Submission:

Natera, Inc.
Classification: Likely pathogenic for Canavan Disease. Last evaluated: 2025-04-24. Review status: criteria provided, single submitter. Criteria: Natera Variant Classification Schema (03/2026). Collection method: clinical testing. Allele origin: germline.
Comment: The c.264T>G variant in ASPA is a nonsense variant predicted to introduce a stop codon at amino acid 88. This variant is expected to result in nonsense mediated decay, truncation, or a dysfunctional protein product. This variant is rare in the general population with a frequency below the threshold expected for the associated phenotype(s). Given the available evidence, this variant is classified as Likely Pathogenic.